The following is an entry in ClinVar:

ClinVar aggregate classification (germline): Likely pathogenic. Review status: reviewed by expert panel (3 of 4 stars). 3 submissions from 3 submitters: Likely pathogenic (1). 2 of the submissions do not count toward it. Last evaluated 2019-05-10.

Conditions:
Noonan syndrome and Noonan-related syndrome. Identifiers: Orphanet 98733, MedGen C5681679, MONDO:0020297.
RASopathy. Also called: rasopathies; Noonan spectrum disorder. Identifiers: Orphanet 536391, MedGen C5555857, MONDO:0021060.

Submissions (3):

ClinGen RASopathy Variant Curation Expert Panel
Classification: Likely pathogenic for Noonan syndrome and Noonan-related syndrome. Last evaluated: 2019-05-10. Review status: reviewed by expert panel. Criteria: ClinGen RASopathy ACMG Specifications v1. Collection method: curation. Allele origin: germline. Inheritance: Autosomal dominant inheritance.
Comment: The c.740T>C (p.Phe247Ser) variant in BRAF has been reported in the literature as an unconfirmed de novo occurrence in a patient with clinical features of a RASopathy (PM6, PS4_Supporting; GeneDx internal data; GTR Lab ID: 26957; NOT SUBMITTED TO CLINVAR YET). A different pathogenic missense variant has been previously identified at this codon of BRAF which may indicate that this residue is critical to the function of the protein (PM5 not applied due to PM1 application; ClinVar 55793, 180784). This variant was absent from large population studies (PM2; gnomAD). Furthermore, the variant is in a location that has been defined by the ClinGen RASopathy Expert Panel to be a mutational hotspot or domain of BRAF (PM1; PMID 29493581). The variant is located in the BRAF gene, which has been defined by the ClinGen RASopathy Expert Panel as a gene with a low rate of benign missense variants and pathogenic missense variants are common (PP2; PMID: 29493581). Computational prediction tools and conservation analysis suggest that the p.Phe247Ser variant may impact the protein (PP3). In summary, this variant meets criteria to be classified as likely pathogenic for RASopathies in an autosomal dominant manner. RASopathy-specific ACMG/AMP criteria applied (PMID:29493581): PM6, PS4_Supporting, PM2, PM1, PP2, PP3.

Labcorp Genetics (formerly Invitae), Labcorp
Classification: Likely pathogenic for RASopathy. Last evaluated: 2023-07-26. Review status: criteria provided, single submitter. Criteria: Invitae Variant Classification Sherloc (09022015). Collection method: clinical testing. Allele origin: germline. Not counted in ClinVar's aggregate classification.
Comment: ClinVar contains an entry for this variant (Variation ID: 40349). This sequence change replaces phenylalanine, which is neutral and non-polar, with serine, which is neutral and polar, at codon 247 of the BRAF protein (p.Phe247Ser). This variant is not present in population databases (gnomAD no frequency). This missense change has been observed in individual(s) with clinical features of BRAF-related conditions (Invitae). Advanced modeling performed at Invitae incorporating data from internal and/or published experimental studies (Invitae) indicates that this missense variant is expected to disrupt BRAF function. This variant disrupts the p.Phe247 amino acid residue in BRAF. Other variant(s) that disrupt this residue have been determined to be pathogenic (PMID: 2851224; Invitae). This suggests that this residue is clinically significant, and that variants that disrupt this residue are likely to be disease-causing. In summary, the currently available evidence indicates that the variant is pathogenic, but additional data are needed to prove that conclusively. Therefore, this variant has been classified as Likely Pathogenic.

GeneDx
Classification: Pathogenic. Last evaluated: 2023-07-09. Review status: criteria provided, single submitter. Criteria: GeneDx Variant Classification Process June 2021. Collection method: clinical testing. Allele origin: germline. Affected: yes. Not counted in ClinVar's aggregate classification.
Comment: Not observed at significant frequency in large population cohorts (gnomAD); Missense variants in this gene are often considered pathogenic (HGMD); In silico analysis supports that this missense variant has a deleterious effect on protein structure/function; Classified as likely pathogenic by the ClinGen RASopathy Expert Panel (VCV000040349.1, ClinVar; Gelb et al., 2018); This variant is associated with the following publications: (PMID: 28580939, 27478437, 24957944, 15488754, 16439621, 15520807, 17603483, 29493581)

Literature cited by the submitters: PubMed 2851224 (cited by Labcorp Genetics (formerly Invitae), Labcorp).

NM_004333.6(BRAF):c.740T>C (p.Phe247Ser)

Gene: BRAF (B-Raf proto-oncogene, serine/threonine kinase; minus strand). Cytogenetic location: 7q34.
Variant type: single nucleotide variant.
Coding change: c.740T>C on transcript NM_004333.6 (MANE Select); coding-DNA position 740, T replaced by C.
Protein change: p.Phe247Ser; replaces phenylalanine 247 with serine.
Molecular consequence: missense variant.
Genome position (GRCh38, 1-based): chr7:140,801,532, A>G on the plus strand (T>C on the coding strand, the complement: BRAF is on the minus strand). VCF-style: chr7-140801532-A-G. GRCh37 (hg19) VCF-style: chr7-140501332-A-G.
Other names: c.740T>C, p.Phe247Ser (NM_001354609.2, NM_001374244.1, NM_001374258.1 and 4 more transcripts); c.749T>C, p.Phe250Ser (NM_001378467.1); c.638T>C, p.Phe213Ser (NM_001378470.1); c.584T>C, p.Phe195Ser (NM_001378472.1, NM_001378473.1); c.476T>C, p.Phe159Ser (NM_001378475.1); short protein forms F247S, F159S, F195S, F213S, F250S.
Identifiers: ClinVar variation 40349 (VCV000040349.6), dbSNP rs397507467, ClinGen allele CA281951.
Genomic context (GRCh38, chr7:140,801,532, plus strand): 5'-TTATAACCACATGTTTGACAGCGGAAACCCTGGAAAAGCAGCTTTCGACAAAAGTCACAA[A>G]ATGCTAAGGTGAAAAACGTTTTTCGTACCTGCAAAGTAAAAAATCACAGAGATTTCAAAA-3'
Protein context (NP_004324.2, residues 237-257): FVRKTFFTLA[Phe247Ser]CDFCRKLLFQ